The following is an entry in ClinVar:

ClinVar aggregate classification (germline): Uncertain significance (1 of 4 stars; one submission).

Conditions:
Fetal akinesia deformation sequence 1 (FADS1). Also called: Fetal akinesia sequence; Pena-Shokeir syndrome type I. Identifiers: Orphanet 994, MedGen C1276035, MONDO:0100101, OMIM 208150, HP:0001989.
Congenital myasthenic syndrome 10. Also called: Myasthenia, limb-girdle, familial. Identifiers: Orphanet 590, MedGen C1850792, MONDO:0009690, OMIM 254300.

Allele frequency attached by ClinVar (database versions not stated): TOPMed 0.00020.
gnomAD v4.1: 40 of 1,611,018 alleles (0.0025%); highest among the groups gnomAD compares: Admixed American, 0.065%; no homozygotes.

Submission:

Labcorp Genetics (formerly Invitae), Labcorp
Classification: Uncertain significance for Congenital myasthenic syndrome 10; Fetal akinesia deformation sequence 1. Last evaluated: 2021-09-01. Review status: criteria provided, single submitter. Criteria: Invitae Variant Classification Sherloc (09022015). Collection method: clinical testing. Allele origin: germline.
Comment: This sequence change replaces serine with cysteine at codon 55 of the DOK7 protein (p.Ser55Cys). The serine residue is moderately conserved and there is a moderate physicochemical difference between serine and cysteine. This variant is not present in population databases (ExAC no frequency). This variant has not been reported in the literature in individuals affected with DOK7-related conditions. Algorithms developed to predict the effect of missense changes on protein structure and function are either unavailable or do not agree on the potential impact of this missense change (SIFT: "Deleterious"; PolyPhen-2: "Possibly Damaging"; Align-GVGD: "Class C0"). In summary, the available evidence is currently insufficient to determine the role of this variant in disease. Therefore, it has been classified as a Variant of Uncertain Significance.

NM_173660.5(DOK7):c.163A>T (p.Ser55Cys)

Gene: DOK7 (docking protein 7; plus strand). Cytogenetic location: 4p16.3.
Variant type: single nucleotide variant.
Coding change: c.163A>T on transcript NM_173660.5 (MANE Select); coding-DNA position 163, A replaced by T.
Protein change: p.Ser55Cys; replaces serine 55 with cysteine.
Molecular consequence: missense variant. On other transcripts: intron variant (1).
Genome position (GRCh38, 1-based): chr4:3,473,468, A>T. VCF-style: chr4-3473468-A-T. GRCh37 (hg19) VCF-style: chr4-3475195-A-T.
Other names: c.163A>T, p.Ser55Cys (NM_001164673.2, NM_001301071.2); c.100+9917A>T (NM_001363811.2); short protein forms S55C.
Identifiers: ClinVar variation 971156 (VCV000971156.6), dbSNP rs550137245, ClinGen allele CA356113212.